The following is an entry in ClinVar:

ClinVar aggregate classification (germline): Conflicting classifications of pathogenicity. Review status: criteria provided, conflicting classifications (1 of 4 stars). 7 submissions from 7 submitters: Uncertain significance (2); Benign (1); Likely benign (3). 1 of the submissions does not count toward it. Last evaluated 2026-07-15.

Conditions:
Hereditary cancer-predisposing syndrome. Also called: Tumor predisposition; Neoplastic Syndromes, Hereditary; Hereditary Cancer Syndrome; Hereditary neoplastic syndrome. Identifiers: Orphanet 140162, MedGen C0027672, MeSH D009386, MONDO:0015356.
Rhabdoid tumor predisposition syndrome 2 (RTPS2). Identifiers: Orphanet 231108, Orphanet 69077, MedGen C2750074, MONDO:0013224, OMIM 613325.
SMARCA4-related disorder. Also called: SMARCA4-related condition.

Allele frequency attached by ClinVar (database versions not stated): gnomAD exomes 0.00001; TOPMed 0.00002; gnomAD 0.00001.
gnomAD v4.1: 8 of 779,482 alleles (0.001%); highest among the groups gnomAD compares: African/African-American, 0.0017%; no homozygotes.

Submissions (7):

Myriad Genetics, Inc.
Classification: Benign for Rhabdoid tumor predisposition syndrome 2. Last evaluated: 2026-07-15. Review status: criteria provided, single submitter. Criteria: Myriad Autosomal Dominant, Autosomal Recessive and X-Linked Classification Criteria (2023). Collection method: clinical testing. Allele origin: unknown.
Comment: This variant is considered benign. This variant is a silent/synonymous amino acid change and it is not expected to impact splicing.

Labcorp Genetics (formerly Invitae), Labcorp
Classification: Likely benign for Rhabdoid tumor predisposition syndrome 2. Last evaluated: 2026-01-28. Review status: criteria provided, single submitter. Criteria: Invitae Variant Classification Sherloc (09022015). Collection method: clinical testing. Allele origin: germline.

GeneDx
Classification: Uncertain significance. Last evaluated: 2024-01-08. Review status: criteria provided, single submitter. Criteria: GeneDx Variant Classification Process June 2021. Collection method: clinical testing. Allele origin: germline. Affected: yes.
Comment: Not observed at significant frequency in large population cohorts (gnomAD); In silico analysis supports that this variant does not alter splicing; Has not been previously published as pathogenic or benign to our knowledge

Quest Diagnostics Nichols Institute San Juan Capistrano
Classification: Uncertain significance. Last evaluated: 2023-09-06. Review status: criteria provided, single submitter. Criteria: Quest Diagnostics criteria. Collection method: clinical testing. Allele origin: unknown.
Comment: To the best of our knowledge, this variant has not been reported in the published literature. The frequency of this variant in the general population, 0.000013 (2/152108 chromosomes (Genome Aggregation Database)), is uninformative in the assessment of its pathogenicity. Analysis of this variant using software algorithms for the prediction of the effect of nucleotide changes on splicing yielded predictions that this variant does not affect SMARCA4 mRNA splicing . Based on the available information, we are unable to determine the clinical significance of this variant.

ARUP Laboratories, Molecular Genetics and Genomics, ARUP Laboratories
Classification: Likely benign. Last evaluated: 2020-08-11. Review status: criteria provided, single submitter. Criteria: ARUP Molecular Germline Variant Investigation Process. Collection method: clinical testing. Allele origin: germline.

Ambry Genetics
Classification: Likely benign for Hereditary cancer-predisposing syndrome. Last evaluated: 2015-08-18. Review status: criteria provided, single submitter. Criteria: Ambry Variant Classification Scheme 2023. Collection method: clinical testing. Allele origin: germline.

PreventionGenetics, part of Exact Sciences
Classification: Likely benign for SMARCA4-related condition. Last evaluated: 2021-12-06. Review status: no assertion criteria provided. Collection method: clinical testing. Allele origin: germline. Not counted in ClinVar's aggregate classification.
Comment: This variant is classified as likely benign based on ACMG/AMP sequence variant interpretation guidelines (Richards et al. 2015 PMID: 25741868, with internal and published modifications).

NM_003072.5(SMARCA4):c.3846C>T (p.Asn1282=)

Gene: SMARCA4 (SWI/SNF related BAF chromatin remodeling complex subunit ATPase 4; plus strand). Cytogenetic location: 19p13.2.
Variant type: single nucleotide variant.
Coding change: c.3846C>T on transcript NM_003072.5 (MANE Select); coding-DNA position 3846, C replaced by T.
Protein change: p.Asn1282=; no amino-acid change (asparagine 1282 retained).
Molecular consequence: synonymous variant. On other transcripts: intron variant (5).
Genome position (GRCh38, 1-based): chr19:11,033,838, C>T. VCF-style: chr19-11033838-C-T. GRCh37 (hg19) VCF-style: chr19-11144514-C-T.
Other names: c.3775-285C>T (NM_001128847.4, NM_001374457.1, NM_001128845.2 and 2 more transcripts); c.3846C>T, p.Asn1282= (NM_001128844.3, NM_001128849.3, NM_001387283.1).
Identifiers: ClinVar variation 537914 (VCV000537914.27), dbSNP rs776413354, ClinGen allele CA305290906.